The following is an entry in ClinVar:

ClinVar aggregate classification (germline): Uncertain significance (1 of 4 stars; one submission).

Conditions:
Cortical dysplasia-focal epilepsy syndrome (PTHSL1). Also called: Pitt-Hopkins-like syndrome 1. Identifiers: Orphanet 163681, Orphanet 221150, MedGen C2750246, MONDO:0012400, OMIM 610042.

Allele frequency attached by ClinVar (database versions not stated): gnomAD exomes 0.00001.
gnomAD v4.1: 6 of 1,613,476 alleles (0.00037%); highest among the groups gnomAD compares: East Asian, 0.011%; no homozygotes.

Submission:

Labcorp Genetics (formerly Invitae), Labcorp
Classification: Uncertain significance for Cortical dysplasia-focal epilepsy syndrome. Last evaluated: 2022-06-13. Review status: criteria provided, single submitter. Criteria: Invitae Variant Classification Sherloc (09022015). Collection method: clinical testing. Allele origin: germline.
Comment: In summary, the available evidence is currently insufficient to determine the role of this variant in disease. Therefore, it has been classified as a Variant of Uncertain Significance. Algorithms developed to predict the effect of sequence changes on RNA splicing suggest that this variant is not likely to affect RNA splicing. This variant has not been reported in the literature in individuals affected with CNTNAP2-related conditions. This variant is not present in population databases (gnomAD no frequency). This sequence change affects codon 449 of the CNTNAP2 mRNA. It is a 'silent' change, meaning that it does not change the encoded amino acid sequence of the CNTNAP2 protein. It affects a nucleotide within the consensus splice site.

NM_014141.6(CNTNAP2):c.1347A>G (p.Ser449=)

Gene: CNTNAP2 (contactin associated protein 2; plus strand). Cytogenetic location: 7q35.
Variant type: single nucleotide variant.
Coding change: c.1347A>G on transcript NM_014141.6 (MANE Select); coding-DNA position 1347, A replaced by G.
Protein change: p.Ser449=; no amino-acid change (serine 449 retained).
Molecular consequence: synonymous variant.
Genome position (GRCh38, 1-based): chr7:147,132,508, A>G. VCF-style: chr7-147132508-A-G. GRCh37 (hg19) VCF-style: chr7-146829600-A-G.
Identifiers: ClinVar variation 1477716 (VCV001477716.6), dbSNP rs1554441906, ClinGen allele CA458578074.